The following is an entry in ClinVar:

NM_024685.4(BBS10):c.706A>T (p.Ile236Leu)

Gene: BBS10 (Bardet-Biedl syndrome 10; minus strand). Cytogenetic location: 12q21.2.
Variant type: single nucleotide variant.
Coding change: c.706A>T on transcript NM_024685.4 (MANE Select); coding-DNA position 706, A replaced by T.
Protein change: p.Ile236Leu; replaces isoleucine 236 with leucine.
Molecular consequence: missense variant.
Genome position (GRCh38, 1-based): chr12:76,347,279, T>A on the plus strand (A>T on the coding strand, the complement: BBS10 is on the minus strand). VCF-style: chr12-76347279-T-A. GRCh37 (hg19) VCF-style: chr12-76741059-T-A.
Other names: c.706A>T (NM_024685.3); short protein forms I236L.
Identifiers: ClinVar variation 2200266 (VCV002200266.5), dbSNP rs1042330208, ClinGen allele CA385814592.

ClinVar aggregate classification (germline): Uncertain significance. Review status: criteria provided, multiple submitters, no conflicts (2 of 4 stars). 2 submissions from 2 submitters: Uncertain significance (2). Last evaluated 2026-09-09.

Conditions:
Bardet-Biedl syndrome (BBS). Identifiers: Orphanet 110, MedGen C0752166, MONDO:0015229.
BBS10-related disorder. Also called: BBS10-related condition.

Allele frequency attached by ClinVar (database versions not stated): gnomAD 0.00001.

Submissions (2):

PreventionGenetics, part of Exact Sciences
Classification: Uncertain significance for BBS10-related condition. Last evaluated: 2026-09-09. Review status: criteria provided, single submitter. Criteria: ACMG Guidelines, 2015. Collection method: clinical testing. Allele origin: germline.
Comment: The BBS10 c.706A>T variant is predicted to result in the amino acid substitution p.Ile236Leu. To our knowledge, this variant has not been reported in the literature or in a large population database (gnomAD), indicating this variant is rare. At this time, the clinical significance of this variant is uncertain due to the absence of conclusive functional and genetic evidence.

Labcorp Genetics (formerly Invitae), Labcorp
Classification: Uncertain significance for Bardet-Biedl syndrome. Last evaluated: 2022-03-17. Review status: criteria provided, single submitter. Criteria: Invitae Variant Classification Sherloc (09022015). Collection method: clinical testing. Allele origin: germline.
Comment: In summary, the available evidence is currently insufficient to determine the role of this variant in disease. Therefore, it has been classified as a Variant of Uncertain Significance. Algorithms developed to predict the effect of missense changes on protein structure and function output the following: SIFT: "Tolerated"; PolyPhen-2: "Benign"; Align-GVGD: "Class C0". The leucine amino acid residue is found in multiple mammalian species, which suggests that this missense change does not adversely affect protein function. This variant has not been reported in the literature in individuals affected with BBS10-related conditions. This variant is not present in population databases (gnomAD no frequency). This sequence change replaces isoleucine, which is neutral and non-polar, with leucine, which is neutral and non-polar, at codon 236 of the BBS10 protein (p.Ile236Leu).